The following is an entry in ClinVar:

NM_019842.4(KCNQ5):c.486C>T (p.Ile162=)

Gene: KCNQ5 (potassium voltage-gated channel subfamily Q member 5; plus strand). Cytogenetic location: 6q13.
Variant type: single nucleotide variant.
Coding change: c.486C>T on transcript NM_019842.4 (MANE Select); coding-DNA position 486, C replaced by T.
Protein change: p.Ile162=; no amino-acid change (isoleucine 162 retained).
Molecular consequence: synonymous variant.
Genome position (GRCh38, 1-based): chr6:73,003,995, C>T. VCF-style: chr6-73003995-C-T. GRCh37 (hg19) VCF-style: chr6-73713718-C-T.
Other names: c.486C>T, p.Ile162= (NM_001160130.2, NM_001160132.2, NM_001160133.2 and 1 more transcripts).
Identifiers: ClinVar variation 1299033 (VCV001299033.40), dbSNP rs749600978, ClinGen allele CA3886750.

ClinVar aggregate classification (germline): Likely benign. Review status: criteria provided, multiple submitters, no conflicts (2 of 4 stars). 4 submissions from 4 submitters: Likely benign (4). Last evaluated 2026-01-01.

Allele frequency attached by ClinVar (database versions not stated): ExAC 0.00003.
gnomAD v4.1: 44 of 1,579,828 alleles (0.0028%); highest among the groups gnomAD compares: Middle Eastern, 0.017%; no homozygotes.

Submissions (4):

Labcorp Genetics (formerly Invitae), Labcorp
Classification: Likely benign. Last evaluated: 2026-01-01. Review status: criteria provided, single submitter. Criteria: Invitae Variant Classification Sherloc (09022015). Collection method: clinical testing. Allele origin: germline.

Blueprint Genetics
Classification: Likely benign. Last evaluated: 2024-08-14. Review status: criteria provided, single submitter. Criteria: ACMG Guidelines, 2015. Collection method: clinical testing. Allele origin: germline.

CeGaT Center for Human Genetics Tuebingen
Classification: Likely benign. Last evaluated: 2023-04-01. Review status: criteria provided, single submitter. Criteria: CeGaT Center For Human Genetics Tuebingen Variant Classification Criteria Version 2. Collection method: clinical testing. Allele origin: germline. Affected: yes. Observed: 2 variant alleles.
Comment: KCNQ5: BP4, BP7

Breakthrough Genomics
Classification: Likely benign. Review status: criteria provided, single submitter. Criteria: ACMG Guidelines, 2015. Collection method: not provided. Allele origin: germline. Inheritance: Autosomal dominant inheritance. Affected: yes.